The following is an entry in ClinVar:

ClinVar aggregate classification (germline): Pathogenic. Review status: criteria provided, multiple submitters, no conflicts (2 of 4 stars). 2 submissions from 2 submitters: Pathogenic (2). Last evaluated 2021-04-01.

Conditions:
Polycystic kidney disease, adult type (PKD1). Also called: Polycystic Kidney Disease 1, Autosomal Dominant; Polycystic kidney disease 1; Polycystic kidney disease 1, severe; POLYCYSTIC KIDNEY DISEASE, ADULT, TYPE I; Polycystic Kidney, Autosomal Dominant; POLYCYSTIC KIDNEY DISEASE 1 WITH OR WITHOUT POLYCYSTIC LIVER DISEASE. Identifiers: MedGen C3149841, MONDO:0008263, OMIM 173900.

Submissions (2):

CeGaT Center for Human Genetics Tuebingen
Classification: Pathogenic. Last evaluated: 2021-04-01. Review status: criteria provided, single submitter. Criteria: CeGaT Center For Human Genetics Tuebingen Variant Classification Criteria Version 2. Collection method: clinical testing. Allele origin: germline. Affected: yes. Observed: 1 variant allele.

MVZ Martinsried, Medicover Genetics
Classification: Pathogenic for Polycystic kidney disease, adult type. Last evaluated: 2020-11-11. Review status: criteria provided, single submitter. Criteria: ACGS Guidelines, 2020. Collection method: clinical testing. Allele origin: unknown. Affected: yes.

NM_001009944.3(PKD1):c.8333dup (p.Glu2779fs)

Gene: PKD1 (polycystin 1, transient receptor potential channel interacting; minus strand). Cytogenetic location: 16p13.3.
Variant type: Duplication.
Coding change: c.8333dup on transcript NM_001009944.3 (MANE Select); coding-DNA position 8333, one base duplicated (G; older notation c.8333dupG).
Protein change: p.Glu2779fs; shifts the reading frame from glutamic acid 2779.
Molecular consequence: frameshift variant.
Genome position (GRCh38, 1-based): chr16:2,103,724, C duplicated on the plus strand (G on the coding strand, the reverse complement: PKD1 is on the minus strand); the first of 3 consecutive C bases (chr16:2,103,724-2,103,726); duplicating any one gives the same sequence. VCF-style (leftmost placement, unchanged base first): chr16-2103723-G-GC. GRCh37 (hg19) VCF-style: chr16-2153724-G-GC.
Other names: c.8333dup, p.Glu2779fs (NM_000296.4); short protein forms E2779fs.
Identifiers: ClinVar variation 1048640 (VCV001048640.32), dbSNP rs1567178000, ClinGen allele CA2499223376.